The following is an entry in ClinVar:

NM_182914.3(SYNE2):c.12043T>C (p.Tyr4015His)

Gene: SYNE2 (spectrin repeat containing nuclear envelope protein 2; plus strand). Cytogenetic location: 14q23.2.
Variant type: single nucleotide variant.
Coding change: c.12043T>C on transcript NM_182914.3 (MANE Select); coding-DNA position 12043, T replaced by C.
Protein change: p.Tyr4015His; replaces tyrosine 4015 with histidine.
Molecular consequence: missense variant.
Genome position (GRCh38, 1-based): chr14:64,093,415, T>C. VCF-style: chr14-64093415-T-C. GRCh37 (hg19) VCF-style: chr14-64560133-T-C.
Other names: c.12043T>C, p.Tyr4015His (NM_015180.6); short protein forms Y4015H.
Identifiers: ClinVar variation 130464 (VCV000130464.26), dbSNP rs75665958, ClinGen allele CA155518.
Genomic context (GRCh38, chr14:64,093,415, plus strand): 5'-ATAAAACAGACCAATGAATGGGATGAAGAAATAGAAAATTTGAAACAGATCTTAAATAAT[T>C]ATTCAGCTCAGTTCTCCCTTGAACATATGTCACCAGACCAAGCTGACAAGCTGCCACAAC-3'
Protein context (NP_878918.2, residues 4005-4025): IENLKQILNN[Tyr4015His]SAQFSLEHMS

ClinVar aggregate classification (germline): Benign. Review status: criteria provided, multiple submitters, no conflicts (2 of 4 stars). 6 submissions from 6 submitters: Benign (5). 1 of the submissions does not count toward it. Last evaluated 2026-01-25.

Conditions:
SYNE2-related disorder. Also called: SYNE2-related condition.
Emery-Dreifuss muscular dystrophy 5, autosomal dominant (EDMD5). Also called: EMERY-DREIFUSS MUSCULAR DYSTROPHY 5. Identifiers: Orphanet 261, MedGen C2751805, MONDO:0013072, OMIM 612999.

Allele frequency attached by ClinVar (database versions not stated): ESP Exome Variant Server 0.00015; gnomAD 0.00029 and 0.00145; TOPMed 0.00040; ExAC 0.00456; 1000 Genomes Project 30x 0.00937; 1000 Genomes Project 0.01018.
gnomAD v4.1: 4,231 of 1,614,088 alleles (0.26%); highest among the groups gnomAD compares: East Asian, 3.5%; 88 homozygotes.

Submissions (6):

Labcorp Genetics (formerly Invitae), Labcorp
Classification: Benign for Emery-Dreifuss muscular dystrophy 5, autosomal dominant. Last evaluated: 2026-01-25. Review status: criteria provided, single submitter. Criteria: Invitae Variant Classification Sherloc (09022015). Collection method: clinical testing. Allele origin: germline.

PreventionGenetics, part of Exact Sciences
Classification: Benign for SYNE2-related condition. Last evaluated: 2025-09-03. Review status: criteria provided, single submitter. Criteria: ACMG Guidelines, 2015. Collection method: clinical testing. Allele origin: germline.
Comment: This variant is classified as benign based on ACMG/AMP sequence variant interpretation guidelines (Richards et al. 2015 PMID: 25741868, with internal and published modifications).

Athena Diagnostics
Classification: Benign. Last evaluated: 2024-09-19. Review status: criteria provided, single submitter. Criteria: Athena Diagnostics Criteria. Collection method: clinical testing. Allele origin: unknown.

Illumina Laboratory Services, Illumina
Classification: Benign for Emery-Dreifuss muscular dystrophy 5, autosomal dominant. Last evaluated: 2018-01-13. Review status: criteria provided, single submitter. Criteria: ICSL Variant Classification Criteria 13 December 2019. Collection method: clinical testing. Allele origin: germline.
Comment: This variant was observed in the ICSL laboratory as part of a predisposition screen in an ostensibly healthy population. It had not been previously curated by ICSL or reported in the Human Gene Mutation Database (HGMD: prior to June 1st, 2018), and was therefore a candidate for classification through an automated scoring system. Utilizing variant allele frequency, disease prevalence and penetrance estimates, and inheritance mode, an automated score was calculated to assess if this variant is too frequent to cause the disease. Based on the score and internal cut-off values, a variant classified as benign is not then subjected to further curation. The score for this variant resulted in a classification of benign for this disease.

Eurofins Ntd Llc (ga)
Classification: Benign. Last evaluated: 2015-09-22. Review status: criteria provided, single submitter. Criteria: EGL Classification Definitions 2015. Collection method: clinical testing. Allele origin: germline. Observed: 2 variant alleles, 2 heterozygotes.

Genetic Services Laboratory, University of Chicago
Classification: Likely benign for AllHighlyPenetrant. Review status: no assertion criteria provided. Collection method: clinical testing. Allele origin: germline. Inheritance: Autosomal dominant inheritance. Not counted in ClinVar's aggregate classification.
Comment: Likely benign based on allele frequency in 1000 Genomes Project or ESP global frequency and its presence in a patient with a rare or unrelated disease phenotype. NOT Sanger confirmed.